The following is an entry in ClinVar:

ClinVar aggregate classification (germline): Pathogenic (1 of 4 stars; one submission).

Conditions:
Saldino-Mainzer syndrome (SRTD9). Also called: Renal dysplasia, retinal pigmentary dystrophy, cerebellar ataxia and skeletal dysplasia; CONORENAL SYNDROME; SHORT-RIB THORACIC DYSPLASIA 9 WITHOUT POLYDACTYLY; short-rib thoracic dysplasia 9 with or without polydactyly. Identifiers: Orphanet 140969, MedGen C1849437, MONDO:0009964, OMIM 266920.

Submission:

Labcorp Genetics (formerly Invitae), Labcorp
Classification: Pathogenic for Saldino-Mainzer syndrome. Last evaluated: 2025-05-19. Review status: criteria provided, single submitter. Criteria: Invitae Variant Classification Sherloc (09022015). Collection method: clinical testing. Allele origin: germline.
Comment: This sequence change creates a premature translational stop signal (p.Ile599Asnfs*7) in the IFT140 gene. It is expected to result in an absent or disrupted protein product. Loss-of-function variants in IFT140 are known to be pathogenic (PMID: 22503633, 23418020, 24009529, 26216056). This variant is not present in population databases (gnomAD no frequency). This variant has not been reported in the literature in individuals affected with IFT140-related conditions. ClinVar contains an entry for this variant (Variation ID: 1458986). For these reasons, this variant has been classified as Pathogenic.

Literature cited by the submitters: PubMed 22503633; PubMed 23418020; PubMed 24009529; PubMed 26216056.

NM_014714.4(IFT140):c.1795dup (p.Ile599fs)

Gene: IFT140 (intraflagellar transport 140; minus strand). Cytogenetic location: 16p13.3.
Variant type: Duplication.
Coding change: c.1795dup on transcript NM_014714.4 (MANE Select); coding-DNA position 1795, one base duplicated (A; older notation c.1795dupA).
Protein change: p.Ile599fs; shifts the reading frame from isoleucine 599.
Molecular consequence: frameshift variant.
Genome position (GRCh38, 1-based): chr16:1,566,267, T duplicated on the plus strand (A on the coding strand, the reverse complement: IFT140 is on the minus strand); the first of 4 consecutive T bases (chr16:1,566,267-1,566,270); duplicating any one gives the same sequence. VCF-style (leftmost placement, unchanged base first): chr16-1566266-A-AT. GRCh37 (hg19) VCF-style: chr16-1616267-A-AT.
Other names: short protein forms I599fs.
Identifiers: ClinVar variation 1458986 (VCV001458986.6), dbSNP rs2141570994, ClinGen allele CA2573151748.